The following is an entry in ClinVar:

ClinVar aggregate classification (germline): Uncertain significance. Review status: criteria provided, multiple submitters, no conflicts (2 of 4 stars). 3 submissions from 3 submitters: Uncertain significance (3). Last evaluated 2024-11-25.

Conditions:
Hereditary cancer-predisposing syndrome. Also called: Neoplastic Syndromes, Hereditary; Hereditary Cancer Syndrome; Tumor predisposition; Hereditary neoplastic syndrome. Identifiers: Orphanet 140162, MedGen C0027672, MeSH D009386, MONDO:0015356.

Allele frequency attached by ClinVar (database versions not stated): gnomAD exomes 0.00002; ExAC 0.00005.
gnomAD v4.1: 15 of 1,614,202 alleles (0.00093%); highest among the groups gnomAD compares: East Asian, 0.0045%; no homozygotes.

Submissions (3):

Ambry Genetics
Classification: Uncertain significance for Hereditary cancer-predisposing syndrome. Last evaluated: 2024-11-25. Review status: criteria provided, single submitter. Criteria: Ambry Variant Classification Scheme 2023. Collection method: clinical testing. Allele origin: germline.
Comment: The p.I1242T variant (also known as c.3725T>C), located in coding exon 24 of the RAD50 gene, results from a T to C substitution at nucleotide position 3725. The isoleucine at codon 1242 is replaced by threonine, an amino acid with similar properties. This alteration has been detected in 1/1824 individuals diagnosed with triple-negative breast cancer (Couch FJ et al. J Clin Oncol, 2015 Feb;33:304-11). This amino acid position is highly conserved in available vertebrate species. In addition, this alteration is predicted to be deleterious by in silico analysis. Based on the available evidence, the clinical significance of this variant remains unclear.

Labcorp Genetics (formerly Invitae), Labcorp
Classification: Uncertain significance for Hereditary cancer-predisposing syndrome. Last evaluated: 2023-12-07. Review status: criteria provided, single submitter. Criteria: Invitae Variant Classification Sherloc (09022015). Collection method: clinical testing. Allele origin: germline.
Comment: This sequence change replaces isoleucine, which is neutral and non-polar, with threonine, which is neutral and polar, at codon 1242 of the RAD50 protein (p.Ile1242Thr). This variant is present in population databases (rs773179252, gnomAD 0.01%). This missense change has been observed in individual(s) with triple-negative breast cancer (PMID: 25452441). ClinVar contains an entry for this variant (Variation ID: 646999). Advanced modeling of protein sequence and biophysical properties (such as structural, functional, and spatial information, amino acid conservation, physicochemical variation, residue mobility, and thermodynamic stability) performed at Invitae indicates that this missense variant is expected to disrupt RAD50 protein function with a positive predictive value of 80%. In summary, the available evidence is currently insufficient to determine the role of this variant in disease. Therefore, it has been classified as a Variant of Uncertain Significance.

Blueprint Genetics
Classification: Uncertain significance. Last evaluated: 2022-08-15. Review status: criteria provided, single submitter. Criteria: ACMG Guidelines, 2015. Collection method: clinical testing. Allele origin: germline.

Literature cited by the submitters: PubMed 25452441 (cited by Ambry Genetics and Labcorp Genetics (formerly Invitae), Labcorp).

NM_005732.4(RAD50):c.3725T>C (p.Ile1242Thr)

Genes: RAD50 (RAD50 double strand break repair protein; plus strand), TH2-LCR (Th2 cytokine locus control region; plus strand), TH2LCRR (T helper type 2 locus control region associated RNA; minus strand). Cytogenetic location: 5q31.1.
Variant type: single nucleotide variant.
Coding change: c.3725T>C on transcript NM_005732.4 (MANE Select); coding-DNA position 3725, T replaced by C.
Protein change: p.Ile1242Thr; replaces isoleucine 1242 with threonine.
Molecular consequence: missense variant.
Genome position (GRCh38, 1-based): chr5:132,640,778, T>C. VCF-style: chr5-132640778-T-C. GRCh37 (hg19) VCF-style: chr5-131976470-T-C.
Other names: short protein forms I1242T.
Identifiers: ClinVar variation 646999 (VCV000646999.17), dbSNP rs773179252, ClinGen allele CA3405651.